The following is an entry in ClinVar:

ClinVar aggregate classification (germline): Uncertain significance (1 of 4 stars; one submission).

Conditions:
Epidermolysis bullosa simplex 5C, with pyloric atresia (EBS5C). Also called: PLEC-Related Epidermolysis Bullosa with Pyloric Atresia; Epidermolysis bullosa simplex with pyloric atresia; PLEC1-Related Epidermolysis Bullosa with Pyloric Atresia. Identifiers: Orphanet 158684, MedGen C2677349, MONDO:0012807, OMIM 612138.
Epidermolysis bullosa simplex 5B, with muscular dystrophy (EBS5B). Also called: Epidermolysis bullosa simplex with muscular dystrophy; EPIDERMOLYSIS BULLOSA SIMPLEX AND LIMB-GIRDLE MUSCULAR DYSTROPHY. Identifiers: Orphanet 257, MedGen C2931072, MONDO:0009181, OMIM 226670.
Epidermolysis bullosa simplex, Ogna type (EBS5A). Also called: Pidermolysis bullosa simplex 5A, Ogna type; EPIDERMOLYSIS BULLOSA SIMPLEX 5A, OGNA TYPE. Identifiers: Orphanet 79401, MedGen C0432317, MONDO:0007555, OMIM 131950.
Autosomal recessive limb-girdle muscular dystrophy type 2Q (LGMDR17). Also called: MUSCULAR DYSTROPHY, LIMB-GIRDLE, AUTOSOMAL RECESSIVE 17. Identifiers: Orphanet 254361, MedGen C3150989, MONDO:0013390, OMIM 613723.
Epidermolysis bullosa simplex with nail dystrophy (EBS5D). Identifiers: MedGen C4225309, MONDO:0014661, OMIM 616487.

Submission:

Labcorp Genetics (formerly Invitae), Labcorp
Classification: Uncertain significance for Autosomal recessive limb-girdle muscular dystrophy type 2Q; Epidermolysis bullosa simplex, Ogna type; Epidermolysis bullosa simplex with nail dystrophy; Epidermolysis bullosa simplex 5C, with pyloric atresia; Epidermolysis bullosa simplex 5B, with muscular dystrophy. Last evaluated: 2022-11-22. Review status: criteria provided, single submitter. Criteria: Invitae Variant Classification Sherloc (09022015). Collection method: clinical testing. Allele origin: germline.
Comment: This sequence change replaces lysine, which is basic and polar, with arginine, which is basic and polar, at codon 1608 of the PLEC protein (p.Lys1608Arg). This variant is not present in population databases (gnomAD no frequency). This variant has not been reported in the literature in individuals affected with PLEC-related conditions. ClinVar contains an entry for this variant (Variation ID: 949226). Algorithms developed to predict the effect of missense changes on protein structure and function are either unavailable or do not agree on the potential impact of this missense change (SIFT: "Tolerated"; PolyPhen-2: "Not Available"; Align-GVGD: "Class C0"). In summary, the available evidence is currently insufficient to determine the role of this variant in disease. Therefore, it has been classified as a Variant of Uncertain Significance.

NM_201384.3(PLEC):c.4742A>G (p.Lys1581Arg)

Gene: PLEC (plectin; minus strand). Cytogenetic location: 8q24.3.
Variant type: single nucleotide variant.
Coding change: c.4742A>G on transcript NM_201384.3 (MANE Select); coding-DNA position 4742, A replaced by G.
Protein change: p.Lys1581Arg; replaces lysine 1581 with arginine.
Molecular consequence: missense variant.
Genome position (GRCh38, 1-based): chr8:143,925,187, T>C on the plus strand (A>G on the coding strand, the complement: PLEC is on the minus strand). VCF-style: chr8-143925187-T-C. GRCh37 (hg19) VCF-style: chr8-144999355-T-C.
Other names: c.4823A>G, p.Lys1608Arg (NM_000445.5); c.4700A>G, p.Lys1567Arg (NM_201378.4); c.4676A>G, p.Lys1559Arg (NM_201379.3); c.5153A>G, p.Lys1718Arg (NM_201380.4); c.4646A>G, p.Lys1549Arg (NM_201381.3); c.4742A>G, p.Lys1581Arg (NM_201382.4); c.4754A>G, p.Lys1585Arg (NM_201383.3); short protein forms K1559R, K1567R, K1581R, K1549R, K1585R, K1608R, K1718R.
Identifiers: ClinVar variation 949226 (VCV000949226.7), dbSNP rs1824566704, ClinGen allele CA372553472.